The following is an entry in ClinVar:

ClinVar aggregate classification (germline): Uncertain significance (1 of 4 stars; one submission).

Conditions:
Hereditary cancer-predisposing syndrome. Also called: Hereditary neoplastic syndrome; Neoplastic Syndromes, Hereditary; Tumor predisposition; Hereditary Cancer Syndrome. Identifiers: Orphanet 140162, MedGen C0027672, MeSH D009386, MONDO:0015356.

Submission:

Ambry Genetics
Classification: Uncertain significance for Hereditary cancer-predisposing syndrome. Last evaluated: 2025-02-25. Review status: criteria provided, single submitter. Criteria: Ambry Variant Classification Scheme 2023. Collection method: clinical testing. Allele origin: germline.
Comment: The p.Q138H variant (also known as c.414G>T), located in coding exon 1 of the HOXB13 gene, results from a G to T substitution at nucleotide position 414. The glutamine at codon 138 is replaced by histidine, an amino acid with highly similar properties. This amino acid position is highly conserved in available vertebrate species. In addition, this alteration is predicted to be deleterious by in silico analysis. Based on the available evidence, the clinical significance of this variant remains unclear.

NM_006361.6(HOXB13):c.414G>T (p.Gln138His)

Gene: HOXB13 (homeobox B13; minus strand). Cytogenetic location: 17q21.32.
Variant type: single nucleotide variant.
Coding change: c.414G>T on transcript NM_006361.6 (MANE Select); coding-DNA position 414, G replaced by T.
Protein change: p.Gln138His; replaces glutamine 138 with histidine.
Molecular consequence: missense variant.
Genome position (GRCh38, 1-based): chr17:48,728,180, C>A on the plus strand (G>T on the coding strand, the complement: HOXB13 is on the minus strand). VCF-style: chr17-48728180-C-A. GRCh37 (hg19) VCF-style: chr17-46805542-C-A.
Other names: short protein forms Q138H.
Identifiers: ClinVar variation 3858433 (VCV003858433.1).